The following is an entry in ClinVar:

ClinVar aggregate classification (germline): Likely benign. Review status: criteria provided, multiple submitters, no conflicts (2 of 4 stars). 4 submissions from 4 submitters: Likely benign (4). Last evaluated 2026-03-01.

Conditions:
Hereditary cancer-predisposing syndrome. Also called: Hereditary neoplastic syndrome; Tumor predisposition; Neoplastic Syndromes, Hereditary; Hereditary Cancer Syndrome. Identifiers: Orphanet 140162, MedGen C0027672, MeSH D009386, MONDO:0015356.

Allele frequency attached by ClinVar (database versions not stated): gnomAD exomes below 0.00001.
gnomAD v4.1: 4 of 1,613,626 alleles (0.00025%); highest among the groups gnomAD compares: Non-Finnish European, 0.00025%; no homozygotes.

Submissions (4):

CeGaT Center for Human Genetics Tuebingen
Classification: Likely benign. Last evaluated: 2026-03-01. Review status: criteria provided, single submitter. Criteria: CeGaT Center For Human Genetics Tuebingen Variant Classification Criteria Version 2. Collection method: clinical testing. Allele origin: germline. Affected: yes. Observed: 1 variant allele.
Comment: POLE: BP4, BP7

Labcorp Genetics (formerly Invitae), Labcorp
Classification: Likely benign. Last evaluated: 2025-11-12. Review status: criteria provided, single submitter. Criteria: Invitae Variant Classification Sherloc (09022015). Collection method: clinical testing. Allele origin: germline.

GeneDx
Classification: Likely benign. Last evaluated: 2021-03-30. Review status: criteria provided, single submitter. Criteria: GeneDx Variant Classification Process June 2021. Collection method: clinical testing. Allele origin: germline. Affected: yes.

Ambry Genetics
Classification: Likely benign for Hereditary cancer-predisposing syndrome. Last evaluated: 2019-04-19. Review status: criteria provided, single submitter. Criteria: Ambry Variant Classification Scheme 2023. Collection method: clinical testing. Allele origin: germline.

NM_006231.4(POLE):c.1479G>C (p.Leu493=)

Gene: POLE (DNA polymerase epsilon, catalytic subunit; minus strand). Cytogenetic location: 12q24.33.
Variant type: single nucleotide variant.
Coding change: c.1479G>C on transcript NM_006231.4 (MANE Select); coding-DNA position 1479, G replaced by C.
Protein change: p.Leu493=; no amino-acid change (leucine 493 retained).
Molecular consequence: synonymous variant.
Genome position (GRCh38, 1-based): chr12:132,672,834, C>G on the plus strand (G>C on the coding strand, the complement: POLE is on the minus strand). VCF-style: chr12-132672834-C-G. GRCh37 (hg19) VCF-style: chr12-133249420-C-G.
Other names: c.1479G>C (NM_006231.2).
Identifiers: ClinVar variation 473460 (VCV000473460.21), dbSNP rs1555228372, ClinGen allele CA482722647.